The following is an entry in ClinVar:

NM_001394062.1(MACF1):c.11493C>T (p.Phe3831=)

Gene: MACF1 (microtubule actin crosslinking factor 1; plus strand). Cytogenetic location: 1p34.3.
Variant type: single nucleotide variant.
Coding change: c.11493C>T on transcript NM_001394062.1 (MANE Select); coding-DNA position 11493, C replaced by T.
Protein change: p.Phe3831=; no amino-acid change (phenylalanine 3831 retained).
Molecular consequence: synonymous variant.
Genome position (GRCh38, 1-based): chr1:39,357,443, C>T. VCF-style: chr1-39357443-C-T. GRCh37 (hg19) VCF-style: chr1-39823115-C-T.
Other names: c.5307C>T, p.Phe1769= (NM_012090.5).
Identifiers: ClinVar variation 4967176 (VCV004967176.2).
Genomic context (GRCh38, chr1:39,357,443, plus strand): 5'-CCAAGAATTGCTGTCCCAGCAGCAAAATTTCATTCTGGCCACCCAGTCAGCTCAGGCCTT[C>T]TTGGATCAGCATGGCCACAATCTCACACCTGAGGAGCAACAGATGCTGCAACAGAAGCTG-3'
Protein context (NP_001380991.1, residues 3821-3841): FILATQSAQA[Phe3831=]LDQHGHNLTP

ClinVar aggregate classification (germline): Likely benign. Review status: criteria provided, multiple submitters, no conflicts (2 of 4 stars). 2 submissions from 2 submitters: Likely benign (2). Last evaluated 2025-03-19.

Conditions:
MACF1-related disorder. Also called: MACF1-related condition.

gnomAD v4.1: 7 of 1,614,038 alleles (0.00043%); highest among the groups gnomAD compares: East Asian, 0.016%; no homozygotes.

Submissions (2):

PreventionGenetics, part of Exact Sciences
Classification: Likely benign for MACF1-related condition. Last evaluated: 2025-03-19. Review status: criteria provided, single submitter. Criteria: ACMG Guidelines, 2015. Collection method: clinical testing. Allele origin: germline.
Comment: This variant is classified as likely benign based on ACMG/AMP sequence variant interpretation guidelines (Richards et al. 2015 PMID: 25741868, with internal and published modifications).

Blueprint Genetics
Classification: Likely benign. Last evaluated: 2023-08-30. Review status: criteria provided, single submitter. Criteria: ACMG Guidelines, 2015. Collection method: clinical testing. Allele origin: germline.